The following is an entry in ClinVar:

ClinVar aggregate classification (germline): Likely benign. Review status: criteria provided, multiple submitters, no conflicts (2 of 4 stars). 4 submissions from 4 submitters: Likely benign (2). 2 of the submissions do not count toward it. Last evaluated 2026-01-19.

Conditions:
Hereditary cancer-predisposing syndrome. Also called: Neoplastic Syndromes, Hereditary; Hereditary neoplastic syndrome; Tumor predisposition; Hereditary Cancer Syndrome. Identifiers: Orphanet 140162, MedGen C0027672, MeSH D009386, MONDO:0015356.
BLM-related disorder. Also called: BLM-related condition.
Bloom syndrome (BLM). Also called: Bloom-Torre-Machacek syndrome. Identifiers: Orphanet 125, MedGen C0005859, MONDO:0008876, OMIM 210900.

Allele frequency attached by ClinVar (database versions not stated): ExAC 0.00002; TOPMed 0.00002; gnomAD exomes 0.00003; gnomAD 0.00005.

Submissions (4):

Labcorp Genetics (formerly Invitae), Labcorp
Classification: Likely benign for Bloom syndrome. Last evaluated: 2026-01-19. Review status: criteria provided, single submitter. Criteria: Invitae Variant Classification Sherloc (09022015). Collection method: clinical testing. Allele origin: germline.

Ambry Genetics
Classification: Likely benign for Hereditary cancer-predisposing syndrome. Last evaluated: 2018-05-08. Review status: criteria provided, single submitter. Criteria: Ambry Variant Classification Scheme 2023. Collection method: clinical testing. Allele origin: germline.

PreventionGenetics, part of Exact Sciences
Classification: Likely benign for BLM-related condition. Last evaluated: 2022-08-26. Review status: no assertion criteria provided. Collection method: clinical testing. Allele origin: germline. Not counted in ClinVar's aggregate classification.
Comment: This variant is classified as likely benign based on ACMG/AMP sequence variant interpretation guidelines (Richards et al. 2015 PMID: 25741868, with internal and published modifications).

Natera, Inc.
Classification: Likely benign for Bloom syndrome. Last evaluated: 2018-09-06. Review status: no assertion criteria provided. Collection method: clinical testing. Allele origin: germline. Not counted in ClinVar's aggregate classification.

NM_000057.4(BLM):c.2025G>A (p.Ala675=)

Gene: BLM (BLM RecQ like helicase; plus strand). Cytogenetic location: 15q26.1.
Variant type: single nucleotide variant.
Coding change: c.2025G>A on transcript NM_000057.4 (MANE Select); coding-DNA position 2025, G replaced by A.
Protein change: p.Ala675=; no amino-acid change (alanine 675 retained).
Molecular consequence: synonymous variant.
Genome position (GRCh38, 1-based): chr15:90,763,108, G>A. VCF-style: chr15-90763108-G-A. GRCh37 (hg19) VCF-style: chr15-91306338-G-A.
Other names: c.2025G>A, p.Ala675= (NM_001287246.2, NM_001287247.2); c.900G>A, p.Ala300= (NM_001287248.2).
Identifiers: ClinVar variation 524846 (VCV000524846.24), dbSNP rs781424357, ClinGen allele CA7738633.